The following is an entry in ClinVar:

ClinVar aggregate classification (germline): Uncertain significance (1 of 4 stars; one submission).

Submission:

GeneDx
Classification: Uncertain significance. Last evaluated: 2023-11-19. Review status: criteria provided, single submitter. Criteria: GeneDx Variant Classification Process June 2021. Collection method: clinical testing. Allele origin: germline. Affected: yes.
Comment: Not observed at significant frequency in large population cohorts (gnomAD); In silico analysis supports that this missense variant has a deleterious effect on protein structure/function; Has not been previously published as pathogenic or benign to our knowledge; Variants in candidate genes are classified as variants of uncertain significance in accordance with ACMG guidelines (PMID: 25741868)

NM_000809.4(GABRA4):c.341T>A (p.Ile114Asn)

Gene: GABRA4 (gamma-aminobutyric acid type A receptor subunit alpha4; minus strand). Cytogenetic location: 4p12.
Variant type: single nucleotide variant.
Coding change: c.341T>A on transcript NM_000809.4 (MANE Select); coding-DNA position 341, T replaced by A.
Protein change: p.Ile114Asn; replaces isoleucine 114 with asparagine.
Molecular consequence: missense variant.
Genome position (GRCh38, 1-based): chr4:46,977,563, A>T on the plus strand (T>A on the coding strand, the complement: GABRA4 is on the minus strand). VCF-style: chr4-46977563-A-T. GRCh37 (hg19) VCF-style: chr4-46979580-A-T.
Other names: c.284T>A, p.Ile95Asn (NM_001204266.2, NM_001204267.2); short protein forms I114N, I95N.
Identifiers: ClinVar variation 3364428 (VCV003364428.1).